The following is an entry in ClinVar:

NM_000059.4(BRCA2):c.6312A>C (p.Lys2104Asn)

Gene: BRCA2 (BRCA2 DNA repair associated; plus strand). Cytogenetic location: 13q13.1.
Variant type: single nucleotide variant.
Coding change: c.6312A>C on transcript NM_000059.4 (MANE Select); coding-DNA position 6312, A replaced by C.
Protein change: p.Lys2104Asn; replaces lysine 2104 with asparagine.
Molecular consequence: missense variant.
Genome position (GRCh38, 1-based): chr13:32,340,667, A>C. VCF-style: chr13-32340667-A-C. GRCh37 (hg19) VCF-style: chr13-32914804-A-C.
Other names: c.6312A>C, p.Lys2104Asn (NM_001406719.1, NM_001406720.1); short protein forms K2104N.
Identifiers: ClinVar variation 2124535 (VCV002124535.6), dbSNP rs2548533023, ClinGen allele CA387789049.

ClinVar aggregate classification (germline): Conflicting classifications of pathogenicity. Review status: criteria provided, conflicting classifications (1 of 4 stars). 2 submissions from 2 submitters: Uncertain significance (1); Likely benign (1). Last evaluated 2023-03-23.

Conditions:
Hereditary cancer-predisposing syndrome. Also called: Hereditary neoplastic syndrome; Tumor predisposition; Hereditary Cancer Syndrome; Neoplastic Syndromes, Hereditary. Identifiers: Orphanet 140162, MedGen C0027672, MeSH D009386, MONDO:0015356.
Hereditary breast ovarian cancer syndrome. Also called: Hereditary breast and ovarian cancer syndrome; BRCA1- and BRCA2-Associated Hereditary Breast and Ovarian Cancer; Hereditary breast and ovarian cancer syndrome (HBOC); Hereditary breast and/or ovarian cancer syndrome; Hereditary breast and ovarian cancer; Breast and ovarian cancer. Identifiers: Orphanet 145, MedGen C0677776, MeSH D061325, MONDO:0003582. Disease mechanism: loss of function.

Submissions (2):

University of Washington Department of Laboratory Medicine, University of Washington
Classification: Likely benign for Hereditary cancer-predisposing syndrome. Last evaluated: 2023-03-23. Review status: criteria provided, single submitter. Criteria: Dines et al. (Genet Med. 2020). Collection method: curation. Allele origin: germline.
Comment: Missense variant in a coldspot region where missense variants are very unlikely to be pathogenic (PMID:31911673).

BRCA2 exon 11 coldspot. Reclassification based on statistical prior probability.

Labcorp Genetics (formerly Invitae), Labcorp
Classification: Uncertain significance for Hereditary breast ovarian cancer syndrome. Last evaluated: 2022-04-11. Review status: criteria provided, single submitter. Criteria: Invitae Variant Classification Sherloc (09022015). Collection method: clinical testing. Allele origin: germline.
Comment: This sequence change replaces lysine, which is basic and polar, with asparagine, which is neutral and polar, at codon 2104 of the BRCA2 protein (p.Lys2104Asn). This variant is not present in population databases (gnomAD no frequency). This variant has not been reported in the literature in individuals affected with BRCA2-related conditions. Advanced modeling of protein sequence and biophysical properties (such as structural, functional, and spatial information, amino acid conservation, physicochemical variation, residue mobility, and thermodynamic stability) performed at Invitae indicates that this missense variant is not expected to disrupt BRCA2 protein function. In summary, the available evidence is currently insufficient to determine the role of this variant in disease. Therefore, it has been classified as a Variant of Uncertain Significance.